The following is an entry in ClinVar:

ClinVar aggregate classification (germline): Uncertain significance (1 of 4 stars; one submission).

Conditions:
Kabuki syndrome. Also called: NIIKAWA-KUROKI SYNDROME; Kabuki make-up syndrome. Identifiers: Orphanet 2322, MedGen C0796004, MONDO:0016512.

Submission:

Labcorp Genetics (formerly Invitae), Labcorp
Classification: Uncertain significance for Kabuki syndrome. Last evaluated: 2022-08-23. Review status: criteria provided, single submitter. Criteria: Invitae Variant Classification Sherloc (09022015). Collection method: clinical testing. Allele origin: germline.
Comment: This sequence change falls in intron 14 of the KMT2D gene. It does not directly change the encoded amino acid sequence of the KMT2D protein. It affects a nucleotide within the consensus splice site. This variant is not present in population databases (gnomAD no frequency). This variant has not been reported in the literature in individuals affected with KMT2D-related conditions. Variants that disrupt the consensus splice site are a relatively common cause of aberrant splicing (PMID: 17576681, 9536098). Algorithms developed to predict the effect of sequence changes on RNA splicing suggest that this variant may disrupt the consensus splice site. In summary, the available evidence is currently insufficient to determine the role of this variant in disease. Therefore, it has been classified as a Variant of Uncertain Significance.

Literature cited by the submitters: PubMed 17576681; PubMed 9536098.

NM_003482.4(KMT2D):c.4237-3C>G

Gene: KMT2D (lysine methyltransferase 2D; minus strand). Cytogenetic location: 12q13.12.
Variant type: single nucleotide variant.
Coding change: c.4237-3C>G on transcript NM_003482.4 (MANE Select); 3 bases into the intron before coding-DNA position 4237, C replaced by G.
Molecular consequence: intron variant.
Genome position (GRCh38, 1-based): chr12:49,046,793, G>C on the plus strand (C>G on the coding strand, the complement: KMT2D is on the minus strand). VCF-style: chr12-49046793-G-C. GRCh37 (hg19) VCF-style: chr12-49440576-G-C.
Identifiers: ClinVar variation 2004039 (VCV002004039.4), dbSNP rs770898847, ClinGen allele CA2580086360.